The following is an entry in ClinVar:

NM_033026.6(PCLO):c.7283C>T (p.Pro2428Leu)

Gene: PCLO (piccolo presynaptic cytomatrix protein; minus strand). Cytogenetic location: 7q21.11.
Variant type: single nucleotide variant.
Coding change: c.7283C>T on transcript NM_033026.6 (MANE Select); coding-DNA position 7283, C replaced by T.
Protein change: p.Pro2428Leu; replaces proline 2428 with leucine.
Molecular consequence: missense variant.
Genome position (GRCh38, 1-based): chr7:82,953,670, G>A on the plus strand (C>T on the coding strand, the complement: PCLO is on the minus strand). VCF-style: chr7-82953670-G-A. GRCh37 (hg19) VCF-style: chr7-82582986-G-A.
Other names: c.7283C>T, p.Pro2428Leu (NM_014510.3); short protein forms P2428L.
Identifiers: ClinVar variation 1470336 (VCV001470336.6), dbSNP rs1795422208, ClinGen allele CA367917317.

ClinVar aggregate classification (germline): Uncertain significance (1 of 4 stars; one submission).

Allele frequency attached by ClinVar (database versions not stated): TOPMed below 0.00001.

Submission:

Labcorp Genetics (formerly Invitae), Labcorp
Classification: Uncertain significance. Last evaluated: 2023-05-22. Review status: criteria provided, single submitter. Criteria: Invitae Variant Classification Sherloc (09022015). Collection method: clinical testing. Allele origin: germline.
Comment: ClinVar contains an entry for this variant (Variation ID: 1470336). This variant has not been reported in the literature in individuals affected with PCLO-related conditions. This variant is not present in population databases (gnomAD no frequency). This sequence change replaces proline, which is neutral and non-polar, with leucine, which is neutral and non-polar, at codon 2428 of the PCLO protein (p.Pro2428Leu). Experimental studies and prediction algorithms are not available or were not evaluated, and the functional significance of this variant is currently unknown. In summary, the available evidence is currently insufficient to determine the role of this variant in disease. Therefore, it has been classified as a Variant of Uncertain Significance.